The following is an entry in ClinVar:

ClinVar aggregate classification (germline): Uncertain significance (1 of 4 stars; one submission).

Conditions:
Duchenne muscular dystrophy (DMD). Also called: Duchenne Muscular Dystrophy (DMD); MUSCULAR DYSTROPHY, PSEUDOHYPERTROPHIC PROGRESSIVE, DUCHENNE TYPE. Identifiers: Orphanet 98896, MedGen C0013264, MONDO:0010679, OMIM 310200.

Submission:

Labcorp Genetics (formerly Invitae), Labcorp
Classification: Uncertain significance for Duchenne muscular dystrophy. Last evaluated: 2025-08-12. Review status: criteria provided, single submitter. Criteria: Invitae Variant Classification Sherloc (09022015). Collection method: clinical testing. Allele origin: germline.
Comment: This sequence change replaces leucine, which is neutral and non-polar, with isoleucine, which is neutral and non-polar, at codon 3656 of the DMD protein (p.Leu3656Ile). This variant is not present in population databases (gnomAD no frequency). This variant has not been reported in the literature in individuals affected with DMD-related conditions. Invitae Evidence Modeling of protein sequence and biophysical properties (such as structural, functional, and spatial information, amino acid conservation, physicochemical variation, residue mobility, and thermodynamic stability) indicates that this missense variant is not expected to disrupt DMD protein function with a negative predictive value of 95%. In summary, the available evidence is currently insufficient to determine the role of this variant in disease. Therefore, it has been classified as a Variant of Uncertain Significance.

NM_004006.3(DMD):c.10966T>A (p.Leu3656Ile)

Gene: DMD (dystrophin; minus strand). Cytogenetic location: Xp21.2.
Variant type: single nucleotide variant.
Coding change: c.10966T>A on transcript NM_004006.3 (MANE Select); coding-DNA position 10966, T replaced by A.
Protein change: p.Leu3656Ile; replaces leucine 3656 with isoleucine.
Molecular consequence: missense variant.
Genome position (GRCh38, 1-based): chrX:31,134,150, A>T on the plus strand (T>A on the coding strand, the complement: DMD is on the minus strand). VCF-style: chrX-31134150-A-T. GRCh37 (hg19) VCF-style: chrX-31152267-A-T.
Other names: c.10942T>A, p.Leu3648Ile (NM_000109.4); c.10954T>A, p.Leu3652Ile (NM_004009.3); c.10597T>A, p.Leu3533Ile (NM_004010.3); c.6943T>A, p.Leu2315Ile (NM_004011.4); c.6934T>A, p.Leu2312Ile (NM_004012.4); c.3586T>A, p.Leu1196Ile (NM_004013.3, NM_004021.3); c.2779T>A, p.Leu927Ile (NM_004014.3); c.1762T>A, p.Leu588Ile (NM_004015.3, NM_004016.3); and 3 more; short protein forms L1086I, L1183I, L1196I, L2312I, L2315I, L3533I, L3648I, L3652I.
Identifiers: ClinVar variation 4800934 (VCV004800934.1).